The following is an entry in ClinVar:

ClinVar aggregate classification (germline): Likely pathogenic. Review status: criteria provided, multiple submitters, no conflicts (2 of 4 stars). 3 submissions from 3 submitters: Likely pathogenic (2). 1 of the submissions does not count toward it. Last evaluated 2024-03-25.

Conditions:
Fanconi anemia (FA). Also called: Fanconi's anemia. Identifiers: Orphanet 84, MedGen C0015625, MeSH D005199, MONDO:0019391.
Fanconi anemia complementation group D2. Also called: FANCD2-Related Fanconi Anemia; FANCONI PANCYTOPENIA, TYPE 4; FANCONI ANEMIA, COMPLEMENTATION GROUP D. Identifiers: Orphanet 84, MedGen C3160738, MONDO:0009214, OMIM 227646.

Allele frequency attached by ClinVar (database versions not stated): gnomAD exomes 0.00004.
gnomAD v4.1: 21 of 746,596 alleles (0.0028%); highest among the groups gnomAD compares: South Asian, 0.031%; no homozygotes.

Submissions (3):

Fulgent Genetics
Classification: Likely pathogenic for Fanconi anemia complementation group D2. Last evaluated: 2024-03-25. Review status: criteria provided, single submitter. Criteria: ACMG Guidelines, 2015. Collection method: clinical testing. Allele origin: germline.

Women's Health and Genetics/Laboratory Corporation of America, LabCorp
Classification: Likely pathogenic for Fanconi anemia. Last evaluated: 2024-03-21. Review status: criteria provided, single submitter. Criteria: LabCorp Variant Classification Summary - May 2015. Collection method: clinical testing. Allele origin: germline.
Comment: Variant summary: FANCD2 c.696-121C>G is located at a position not widely known to affect splicing. Several computational tools predict a significant impact on normal splicing: three predict the variant strengthens a cryptic 5' donor site. At least one publication reported experimental evidence examining patient derived cells, and demonstrated that this variant created a splice donor site resulting in exonization of a deep intronic sequence fragment, which was predicted to result in a truncation (p.S232insQNNFX) at the protein level (Kalb_2007). The variant allele was found at a frequency of 3.5e-05 in 591794 control chromosomes, predominantly at a frequency of 0.00034 within the South Asian subpopulation in the gnomAD database (v4.0 dataset). This frequency is not higher than the estimated maximum expected for a pathogenic variant in FANCD2 causing Fanconi Anemia (0.00048), allowing no conclusion about variant significance. The variant, c.696-121C>G, has been reported in the literature in a homozygous individual affected with Fanconi Anemia (Kalb_2007). This publication also reported experimental evidence evaluating an impact on protein function, and demonstrated significantly reduced amount of FANCD2 protein on immunoblots examining patient derived cells (Kalb_2007). ClinVar contains an entry for this variant (Variation ID: 929644). Based on the evidence outlined above, the variant was classified as likely pathogenic.

Leiden Open Variation Database
Classification: Pathogenic for Fanconi anemia complementation group D2. Last evaluated: 2020-02-28. Review status: no assertion criteria provided. Collection method: curation. Allele origin: germline. Affected: yes. Not counted in ClinVar's aggregate classification.
Comment: Curator: Arleen D. Auerbach. Submitter to LOVD: Arleen D. Auerbach.

Literature cited by the submitters: PubMed 17436244 (cited by Women's Health and Genetics/Laboratory Corporation of America, LabCorp and Leiden Open Variation Database).

NM_001018115.3(FANCD2):c.696-121C>G

Genes: FANCD2 (FA complementation group D2; plus strand), LOC107303338 (3p25 FANCD2 Alu-mediated recombination region; plus strand). Cytogenetic location: 3p25.3.
Variant type: single nucleotide variant.
Coding change: c.696-121C>G on transcript NM_001018115.3 (MANE Select); 121 bases into the intron before coding-DNA position 696, C replaced by G.
Molecular consequence: intron variant.
Genome position (GRCh38, 1-based): chr3:10,041,502, C>G. VCF-style: chr3-10041502-C-G. GRCh37 (hg19) VCF-style: chr3-10083186-C-G.
Other names: c.696-121C>G (NM_001319984.2, NM_001374253.1, NM_033084.6 and 2 more transcripts).
Identifiers: ClinVar variation 929644 (VCV000929644.4), dbSNP rs2086862509, ClinGen allele CA1139657889.
Genomic context (GRCh38, chr3:10,041,502, plus strand): 5'-GAGCATGTATTATTTTTTGCAGTCAAAACAATTTTTAAAGAAACATACTATAAACGGTAA[C>G]TTAATGGCAACTAAGTATGTCCTTTATTTTCATACTCTAATAAATGATTTTCTCAAGTCA-3'